The following is an entry in ClinVar:

NM_000057.4(BLM):c.3125del (p.Leu1042fs)

Gene: BLM (BLM RecQ like helicase; plus strand). Cytogenetic location: 15q26.1.
Variant type: Deletion.
Coding change: c.3125del on transcript NM_000057.4 (MANE Select); coding-DNA position 3125, one base deleted (T; older notation c.3125delT).
Protein change: p.Leu1042fs; shifts the reading frame from leucine 1042.
Molecular consequence: frameshift variant.
Genome position (GRCh38, 1-based): chr15:90,794,272, T deleted; the last of 4 consecutive T bases (chr15:90,794,269-90,794,272); deleting any one gives the same sequence. VCF-style (leftmost placement, unchanged base first): chr15-90794268-CT-C. GRCh37 (hg19) VCF-style: chr15-91337498-CT-C.
Other names: c.3125del, p.Leu1042fs (NM_001287246.2, NM_001287247.2); c.2000del, p.Leu667fs (NM_001287248.2); short protein forms L1042fs, L667fs.
Identifiers: ClinVar variation 960183 (VCV000960183.8), dbSNP rs1896976755, ClinGen allele CA1139664168.

ClinVar aggregate classification (germline): Pathogenic (1 of 4 stars; one submission).

Conditions:
Bloom syndrome (BLM). Also called: Bloom-Torre-Machacek syndrome. Identifiers: Orphanet 125, MedGen C0005859, MONDO:0008876, OMIM 210900.

Submission:

Labcorp Genetics (formerly Invitae), Labcorp
Classification: Pathogenic for Bloom syndrome. Last evaluated: 2019-07-18. Review status: criteria provided, single submitter. Criteria: Invitae Variant Classification Sherloc (09022015). Collection method: clinical testing. Allele origin: germline.
Comment: Loss-of-function variants in BLM are known to be pathogenic (PMID: 17407155). For these reasons, this variant has been classified as Pathogenic. This variant has not been reported in the literature in individuals with BLM-related conditions. This sequence change creates a premature translational stop signal (p.Leu1042Trpfs*36) in the BLM gene. It is expected to result in an absent or disrupted protein product. This variant is not present in population databases (ExAC no frequency).

Literature cited by the submitters: PubMed 17407155.